The following is an entry in ClinVar:

ClinVar aggregate classification (germline): Uncertain significance (1 of 4 stars; one submission).

Allele frequency attached by ClinVar (database versions not stated): gnomAD exomes 0.00004 and 0.00006; ExAC 0.00005; TOPMed 0.00006; gnomAD 0.00008.
gnomAD v4.1: 63 of 1,551,754 alleles (0.0041%); highest among the groups gnomAD compares: East Asian, 0.068%; no homozygotes.

Submission:

Women's Health and Genetics/Laboratory Corporation of America, LabCorp
Classification: Uncertain significance. Last evaluated: 2021-11-03. Review status: criteria provided, single submitter. Criteria: LabCorp Variant Classification Summary - May 2015. Collection method: clinical testing. Allele origin: germline.
Comment: Variant summary: LOXHD1 c.3371G>A (p.Arg1124His) results in a non-conservative amino acid change in the encoded protein sequence. Five of five in-silico tools predict a damaging effect of the variant on protein function. The variant allele was found at a frequency of 5.7e-05 in 158438 control chromosomes (gnomAD). The available data on variant occurrences in the general population are insufficient to allow any conclusion about variant significance. c.3371G>A has been reported in the literature in two cousins affected with Nonsyndromic Hearing Loss And Deafness, Type 77 (Lebeko_2016). This report does not provide unequivocal conclusions about association of the variant with Nonsyndromic Hearing Loss And Deafness, Type 77. To our knowledge, no experimental evidence demonstrating an impact on protein function has been reported. A ClinVar submitter (evaluation after 2014) cites the variant as uncertain significance. Based on the evidence outlined above, the variant was classified as uncertain significance.

Literature cited by the submitters: PubMed 27246798.

NM_001384474.1(LOXHD1):c.3371G>A (p.Arg1124His)

Gene: LOXHD1 (lipoxygenase homology PLAT domains 1; minus strand). Cytogenetic location: 18q21.1.
Variant type: single nucleotide variant.
Coding change: c.3371G>A on transcript NM_001384474.1 (MANE Select); coding-DNA position 3371, G replaced by A.
Protein change: p.Arg1124His; replaces arginine 1124 with histidine.
Molecular consequence: missense variant. On other transcripts: 5 prime UTR variant (1).
Genome position (GRCh38, 1-based): chr18:46,547,038, C>T on the plus strand (G>A on the coding strand, the complement: LOXHD1 is on the minus strand). VCF-style: chr18-46547038-C-T. GRCh37 (hg19) VCF-style: chr18-44127001-C-T.
Other names: c.38G>A, p.Arg13His (NM_001145472.3); c.-251G>A (NM_001308013.2); c.3371G>A, p.Arg1124His (NM_144612.7); short protein forms R1124H, R13H.
Identifiers: ClinVar variation 632298 (VCV000632298.5), dbSNP rs762111513, ClinGen allele CA8952491.